The following is an entry in ClinVar:

ClinVar aggregate classification (germline): Uncertain significance (1 of 4 stars; one submission).

Submission:

Ambry Genetics
Classification: Uncertain significance. Last evaluated: 2022-07-17. Review status: criteria provided, single submitter. Criteria: Ambry Variant Classification Scheme 2023. Collection method: clinical testing. Allele origin: germline.
Comment: The p.K3642R variant (also known as c.10925A>G), located in coding exon 77 of the PRKDC gene, results from an A to G substitution at nucleotide position 10925. The lysine at codon 3642 is replaced by arginine, an amino acid with highly similar properties. This amino acid position is conserved. Since supporting evidence is limited at this time, the clinical significance of this alteration remains unclear.

NM_006904.7(PRKDC):c.10925A>G (p.Lys3642Arg)

Gene: PRKDC (protein kinase, DNA-activated, catalytic subunit; minus strand). Cytogenetic location: 8q11.21.
Variant type: single nucleotide variant.
Coding change: c.10925A>G on transcript NM_006904.7 (MANE Select); coding-DNA position 10925, A replaced by G.
Protein change: p.Lys3642Arg; replaces lysine 3642 with arginine.
Molecular consequence: missense variant.
Genome position (GRCh38, 1-based): chr8:47,785,295, T>C on the plus strand (A>G on the coding strand, the complement: PRKDC is on the minus strand). VCF-style: chr8-47785295-T-C. GRCh37 (hg19) VCF-style: chr8-48697856-T-C.
Other names: c.10925A>G, p.Lys3642Arg (NM_001081640.2); short protein forms K3642R.
Identifiers: ClinVar variation 1789565 (VCV001789565.2), dbSNP rs2551860919, ClinGen allele CA371131397.